The following is an entry in ClinVar:

ClinVar aggregate classification (germline): Uncertain significance (1 of 4 stars; one submission).

Submission:

GeneDx
Classification: Uncertain significance. Last evaluated: 2020-08-04. Review status: criteria provided, single submitter. Criteria: GeneDx Variant Classification Process June 2021. Collection method: clinical testing. Allele origin: germline. Affected: yes.
Comment: Not observed in large population cohorts (Lek et al., 2016); In silico analysis supports that this missense variant has a deleterious effect on protein structure/function; Has not been previously published as pathogenic or benign to our knowledge

NM_001110556.2(FLNA):c.6464A>T (p.Asn2155Ile)

Gene: FLNA (filamin A; minus strand). Cytogenetic location: Xq28.
Variant type: single nucleotide variant.
Coding change: c.6464A>T on transcript NM_001110556.2 (MANE Select); coding-DNA position 6464, A replaced by T.
Protein change: p.Asn2155Ile; replaces asparagine 2155 with isoleucine.
Molecular consequence: missense variant.
Genome position (GRCh38, 1-based): chrX:154,352,591, T>A on the plus strand (A>T on the coding strand, the complement: FLNA is on the minus strand). VCF-style: chrX-154352591-T-A. GRCh37 (hg19) VCF-style: chrX-153580959-T-A.
Other names: c.6440A>T, p.Asn2147Ile (NM_001456.4); short protein forms N2147I, N2155I.
Identifiers: ClinVar variation 452377 (VCV000452377.3), dbSNP rs1557175999, ClinGen allele CA415192082.